The following is an entry in ClinVar:

NM_001080414.4(CCDC88C):c.3370A>G (p.Thr1124Ala)

Gene: CCDC88C (coiled-coil and HOOK domain protein 88C; minus strand). Cytogenetic location: 14q32.11.
Variant type: single nucleotide variant.
Coding change: c.3370A>G on transcript NM_001080414.4 (MANE Select); coding-DNA position 3370, A replaced by G.
Protein change: p.Thr1124Ala; replaces threonine 1124 with alanine.
Molecular consequence: missense variant.
Genome position (GRCh38, 1-based): chr14:91,303,966, T>C on the plus strand (A>G on the coding strand, the complement: CCDC88C is on the minus strand). VCF-style: chr14-91303966-T-C. GRCh37 (hg19) VCF-style: chr14-91770310-T-C.
Other names: c.3370A>G (NM_001080414.3); short protein forms T1124A.
Identifiers: ClinVar variation 1902945 (VCV001902945.4), dbSNP rs377046222, ClinGen allele CA7309343.
Genomic context (GRCh38, chr14:91,303,966, plus strand): 5'-TGTGGTGGTTCTGCAGCAGCGTGTACTGCGCGGTGAGCGCTGCGCTCTGGGAACTCAGCG[T>C]GGAGTTCTCCACCTGCCGAGAGGGAGAAGCGCGGCGTGGCGCAGGCCCCACAGTCAGCGA-3'
Protein context (NP_001073883.2, residues 1114-1134): QTAKLQVENS[Thr1124Ala]LSSQSAALTA

ClinVar aggregate classification (germline): Uncertain significance. Review status: criteria provided, multiple submitters, no conflicts (2 of 4 stars). 3 submissions from 3 submitters: Uncertain significance (3). Last evaluated 2025-04-02.

Conditions:
Inborn genetic diseases. Identifiers: MedGen C0950123, MeSH D030342.

Allele frequency attached by ClinVar (database versions not stated): gnomAD exomes 0.00001; ExAC 0.00004; ESP Exome Variant Server 0.00008; 1000 Genomes Project 30x 0.00016; gnomAD 0.00017; 1000 Genomes Project 0.00020; TOPMed 0.00021.
gnomAD v4.1: 49 of 1,602,350 alleles (0.0031%); highest among the groups gnomAD compares: African/African-American, 0.056%; no homozygotes.

Submissions (3):

GeneDx
Classification: Uncertain significance. Last evaluated: 2025-04-02. Review status: criteria provided, single submitter. Criteria: GeneDx Variant Classification Process June 2021. Collection method: clinical testing. Allele origin: germline. Affected: yes.
Comment: In silico analysis supports that this missense variant has a deleterious effect on protein structure/function; Has not been previously published as pathogenic or benign to our knowledge

Ambry Genetics
Classification: Uncertain significance for Inborn genetic diseases. Last evaluated: 2024-10-04. Review status: criteria provided, single submitter. Criteria: Ambry Variant Classification Scheme 2023. Collection method: clinical testing. Allele origin: germline.

Labcorp Genetics (formerly Invitae), Labcorp
Classification: Uncertain significance. Last evaluated: 2022-04-30. Review status: criteria provided, single submitter. Criteria: Invitae Variant Classification Sherloc (09022015). Collection method: clinical testing. Allele origin: germline.
Comment: This sequence change replaces threonine, which is neutral and polar, with alanine, which is neutral and non-polar, at codon 1124 of the CCDC88C protein (p.Thr1124Ala). This variant is present in population databases (rs377046222, gnomAD 0.08%). This variant has not been reported in the literature in individuals affected with CCDC88C-related conditions. Algorithms developed to predict the effect of missense changes on protein structure and function are either unavailable or do not agree on the potential impact of this missense change (SIFT: "Tolerated"; PolyPhen-2: "Possibly Damaging"; Align-GVGD: "Class C0"). In summary, the available evidence is currently insufficient to determine the role of this variant in disease. Therefore, it has been classified as a Variant of Uncertain Significance.